The following is an entry in ClinVar:

ClinVar aggregate classification (germline): Uncertain significance (1 of 4 stars; one submission).

Submission:

Labcorp Genetics (formerly Invitae), Labcorp
Classification: Uncertain significance. Last evaluated: 2024-01-07. Review status: criteria provided, single submitter. Criteria: Invitae Variant Classification Sherloc (09022015). Collection method: clinical testing. Allele origin: germline.
Comment: This sequence change replaces serine, which is neutral and polar, with alanine, which is neutral and non-polar, at codon 322 of the FOXP1 protein (p.Ser322Ala). This variant is not present in population databases (gnomAD no frequency). This variant has not been reported in the literature in individuals affected with FOXP1-related conditions. Advanced modeling of protein sequence and biophysical properties (such as structural, functional, and spatial information, amino acid conservation, physicochemical variation, residue mobility, and thermodynamic stability) performed at Invitae indicates that this missense variant is not expected to disrupt FOXP1 protein function with a negative predictive value of 95%. In summary, the available evidence is currently insufficient to determine the role of this variant in disease. Therefore, it has been classified as a Variant of Uncertain Significance.

NM_001349338.3(FOXP1):c.964T>G (p.Ser322Ala)

Gene: FOXP1 (forkhead box P1; minus strand). Cytogenetic location: 3p13.
Variant type: single nucleotide variant.
Coding change: c.964T>G on transcript NM_001349338.3 (MANE Select); coding-DNA position 964, T replaced by G.
Protein change: p.Ser322Ala; replaces serine 322 with alanine.
Molecular consequence: missense variant. On other transcripts: non-coding transcript variant (2).
Genome position (GRCh38, 1-based): chr3:71,015,559, A>C on the plus strand (T>G on the coding strand, the complement: FOXP1 is on the minus strand). VCF-style: chr3-71015559-A-C. GRCh37 (hg19) VCF-style: chr3-71064710-A-C.
Other names: c.964T>G, p.Ser322Ala (NM_001244808.3, NM_032682.6, NM_001244810.2 and 4 more transcripts); c.661T>G, p.Ser221Ala (NM_001349344.3, NM_001349337.2, NM_001349343.3); c.664T>G, p.Ser222Ala (NM_001370548.1, NM_001244813.3, NM_001244815.2 and 1 more transcripts); c.736T>G, p.Ser246Ala (NM_001244812.3); c.961T>G, p.Ser321Ala (NM_001349341.3); short protein forms S221A, S322A, S222A, S321A, S246A.
Identifiers: ClinVar variation 2708053 (VCV002708053.3), dbSNP rs2044338633, ClinGen allele CA353562239.
Genomic context (GRCh38, chr3:71,015,559, plus strand): 5'-GGGAGGTGTTGGCTATGTAAAAGAAGAAAACAAAATAAAATCATTCTTACTTTAGAAATG[A>C]TTGGAAATCTTCGCACACTGCTTCACAGCCTGGCCACTTGCATACACCATGTCCATAGAG-3'
Protein context (NP_001336267.1, residues 312-332): GCEAVCEDFQ[Ser322Ala]FLKHLNSEHA